The following is an entry in ClinVar:

ClinVar aggregate classification (germline): Uncertain significance. Review status: criteria provided, multiple submitters, no conflicts (2 of 4 stars). 4 submissions from 3 submitters: Uncertain significance (4). Last evaluated 2023-11-04.

Conditions:
Usher syndrome type 2A. Also called: USHER SYNDROME, TYPE IIA; RETINAL DISEASE IN USHER SYNDROME TYPE IIA, MODIFIER OF. Identifiers: Orphanet 231178, Orphanet 886, MedGen C1848634, MONDO:0010169, OMIM 276901.
Retinitis pigmentosa 39 (RP39). Identifiers: Orphanet 791, MedGen C3151138, MONDO:0013436, OMIM 613809.

Allele frequency attached by ClinVar (database versions not stated): gnomAD exomes below 0.00001; TOPMed below 0.00001; gnomAD 0.00001.
gnomAD v4.1: 1 of 1,613,932 alleles (0.000062%); no homozygotes.

Submissions (4):

Genome-Nilou Lab
Classification: Uncertain significance for Retinitis pigmentosa 39. Last evaluated: 2023-11-04. Review status: criteria provided, single submitter. Criteria: ACMG Guidelines, 2015. Collection method: clinical testing. Allele origin: germline. Affected: no.

Genome-Nilou Lab
Classification: Uncertain significance for Usher syndrome type 2A. Last evaluated: 2023-11-04. Review status: criteria provided, single submitter. Criteria: ACMG Guidelines, 2015. Collection method: clinical testing. Allele origin: germline. Affected: no.

Labcorp Genetics (formerly Invitae), Labcorp
Classification: Uncertain significance. Last evaluated: 2022-08-31. Review status: criteria provided, single submitter. Criteria: Invitae Variant Classification Sherloc (09022015). Collection method: clinical testing. Allele origin: germline.
Comment: This sequence change replaces tyrosine, which is neutral and polar, with asparagine, which is neutral and polar, at codon 3328 of the USH2A protein (p.Tyr3328Asn). This variant is not present in population databases (gnomAD no frequency). This variant has not been reported in the literature in individuals affected with USH2A-related conditions. ClinVar contains an entry for this variant (Variation ID: 1444314). Algorithms developed to predict the effect of missense changes on protein structure and function (SIFT, PolyPhen-2, Align-GVGD) all suggest that this variant is likely to be disruptive. In summary, the available evidence is currently insufficient to determine the role of this variant in disease. Therefore, it has been classified as a Variant of Uncertain Significance.

Mendelics
Classification: Uncertain significance. Last evaluated: 2022-05-04. Review status: criteria provided, single submitter. Criteria: Mendelics Assertion Criteria 2019. Collection method: clinical testing. Allele origin: germline.

NM_206933.4(USH2A):c.9982T>A (p.Tyr3328Asn)

Gene: USH2A (usherin; minus strand). Cytogenetic location: 1q41.
Variant type: single nucleotide variant.
Coding change: c.9982T>A on transcript NM_206933.4 (MANE Select); coding-DNA position 9982, T replaced by A.
Protein change: p.Tyr3328Asn; replaces tyrosine 3328 with asparagine.
Molecular consequence: missense variant.
Genome position (GRCh38, 1-based): chr1:215,790,259, A>T on the plus strand (T>A on the coding strand, the complement: USH2A is on the minus strand). VCF-style: chr1-215790259-A-T. GRCh37 (hg19) VCF-style: chr1-215963601-A-T.
Other names: short protein forms Y3328N.
Identifiers: ClinVar variation 1444314 (VCV001444314.4), dbSNP rs1558099268, ClinGen allele CA344844767.